The following is an entry in ClinVar:

NM_000142.5(FGFR3):c.2372_2385del (p.His791fs)

Gene: FGFR3 (fibroblast growth factor receptor 3; plus strand). Cytogenetic location: 4p16.3.
Variant type: Deletion.
Coding change: c.2372_2385del on transcript NM_000142.5 (MANE Select); coding-DNA positions 2372 to 2385, 14 bases deleted (ACGACCTGCTGCCC).
Protein change: p.His791fs; shifts the reading frame from histidine 791.
Molecular consequence: frameshift variant. On other transcripts: non-coding transcript variant (1).
Genome position (GRCh38, 1-based): chr4:1,807,213-1,807,226, ACGACCTGCTGCCC deleted; deleting any 14 consecutive bases within chr4:1,807,208-1,807,226 gives the same sequence; the c. name uses the placement nearest the transcript's 3' end. VCF-style (leftmost placement, unchanged base first): chr4-1807207-TTGCCCACGACCTGC-T. GRCh37 (hg19) VCF-style: chr4-1808934-TTGCCCACGACCTGC-T.
Other names: c.2378_2391del, p.His793fs (NM_001163213.2); c.2375_2388del, p.His792fs (NM_001354809.2); c.2304_2317del, p.Ala771fs (NM_001354810.2); c.2036_2049del, p.His679fs (NM_022965.4); c.2372_2385delACGACCTGCTGCCC (NM_000142.5); short protein forms A771fs, H679fs, H791fs, H792fs, H793fs.
Identifiers: ClinVar variation 4849324 (VCV004849324.1).

ClinVar aggregate classification (germline): Likely pathogenic (1 of 4 stars; one submission).

Conditions:
Camptodactyly-tall stature-scoliosis-hearing loss syndrome. Also called: CATSHL SYNDROME. Identifiers: Orphanet 85164, MedGen C1864852, MONDO:0012504, OMIM 610474.

Submission:

First Genomix Gene Laboratory, Genetic Diagnostics Department
Classification: Likely pathogenic for Camptodactyly-tall stature-scoliosis-hearing loss syndrome. Last evaluated: 2025-06-04. Review status: criteria provided, single submitter. Criteria: ACMG Guidelines, 2015. Collection method: clinical testing. Allele origin: germline. Inheritance: Autosomal recessive inheritance. Affected: no. Observed: 1 variant allele.